The following is an entry in ClinVar:

ClinVar aggregate classification (germline): Conflicting classifications of pathogenicity. Review status: criteria provided, conflicting classifications (1 of 4 stars). 5 submissions from 5 submitters: Uncertain significance (3); Likely benign (2). Last evaluated 2025-03-29.

Conditions:
Hereditary cancer-predisposing syndrome. Also called: Tumor predisposition; Neoplastic Syndromes, Hereditary; Hereditary Cancer Syndrome; Hereditary neoplastic syndrome. Identifiers: Orphanet 140162, MedGen C0027672, MeSH D009386, MONDO:0015356.
Hereditary breast ovarian cancer syndrome. Also called: Hereditary breast and ovarian cancer syndrome; Hereditary breast and ovarian cancer; Hereditary breast and ovarian cancer syndrome (HBOC); Hereditary breast and/or ovarian cancer syndrome; Breast and ovarian cancer; BRCA1- and BRCA2-Associated Hereditary Breast and Ovarian Cancer. Identifiers: Orphanet 145, MedGen C0677776, MeSH D061325, MONDO:0003582. Disease mechanism: loss of function.

Allele frequency attached by ClinVar (database versions not stated): gnomAD exomes below 0.00001 and 0.00001; ExAC 0.00001; gnomAD 0.00001; TOPMed 0.00002.
gnomAD v4.1: 10 of 1,613,980 alleles (0.00062%); highest among the groups gnomAD compares: Non-Finnish European, 0.00085%; no homozygotes.

Submissions (5):

Ambry Genetics
Classification: Uncertain significance for Hereditary cancer-predisposing syndrome. Last evaluated: 2025-03-29. Review status: criteria provided, single submitter. Criteria: Ambry Variant Classification Scheme 2023. Collection method: clinical testing. Allele origin: germline.
Comment: The p.S1173N variant (also known as c.3518G>A), located in coding exon 9 of the BRCA1 gene, results from a G to A substitution at nucleotide position 3518. The serine at codon 1173 is replaced by asparagine, an amino acid with highly similar properties. This amino acid position is poorly conserved in available vertebrate species. In addition, this alteration is predicted to be tolerated by in silico analysis. Since supporting evidence is limited at this time, the clinical significance of this alteration remains unclear.

Center for Genomic Medicine, Rigshospitalet, Copenhagen University Hospital
Classification: Likely benign. Last evaluated: 2025-03-04. Review status: criteria provided, single submitter. Criteria: ACMG Guidelines, 2015. Collection method: clinical testing. Allele origin: germline.

Labcorp Genetics (formerly Invitae), Labcorp
Classification: Uncertain significance for Hereditary breast ovarian cancer syndrome. Last evaluated: 2024-06-05. Review status: criteria provided, single submitter. Criteria: Invitae Variant Classification Sherloc (09022015). Collection method: clinical testing. Allele origin: germline.
Comment: This sequence change replaces serine, which is neutral and polar, with asparagine, which is neutral and polar, at codon 1173 of the BRCA1 protein (p.Ser1173Asn). This variant is present in population databases (rs746949187, gnomAD 0.0009%). This variant has not been reported in the literature in individuals affected with BRCA1-related conditions. ClinVar contains an entry for this variant (Variation ID: 240793). Advanced modeling of protein sequence and biophysical properties (such as structural, functional, and spatial information, amino acid conservation, physicochemical variation, residue mobility, and thermodynamic stability) performed at Invitae indicates that this missense variant is not expected to disrupt BRCA1 protein function with a negative predictive value of 95%. In summary, the available evidence is currently insufficient to determine the role of this variant in disease. Therefore, it has been classified as a Variant of Uncertain Significance.

University of Washington Department of Laboratory Medicine, University of Washington
Classification: Likely benign for Hereditary cancer-predisposing syndrome. Last evaluated: 2023-03-23. Review status: criteria provided, single submitter. Criteria: Dines et al. (Genet Med. 2020). Collection method: curation. Allele origin: germline.
Comment: Missense variant in a coldspot region where missense variants are very unlikely to be pathogenic (PMID:31911673).

BRCA1 coldspot (exon 11 using historical exon numbering). Reclassification based on statistical prior probability

Color Diagnostics, LLC DBA Color Health
Classification: Uncertain significance for Hereditary cancer-predisposing syndrome. Last evaluated: 2021-01-26. Review status: criteria provided, single submitter. Criteria: ACMG Guidelines, 2015. Collection method: clinical testing. Allele origin: germline.
Comment: This missense variant replaces serine with asparagine at codon 1173 of the BRCA1 protein. Computational prediction suggests that this variant may not impact protein structure and function (internally defined REVEL score threshold <= 0.5, PMID: 27666373). To our knowledge, functional studies have not been reported for this variant. This variant has not been reported in individuals affected with hereditary cancer in the literature. This variant has been identified in 1/251294 chromosomes in the general population by the Genome Aggregation Database (gnomAD). The available evidence is insufficient to determine the role of this variant in disease conclusively. Therefore, this variant is classified as a Variant of Uncertain Significance.

NM_007294.4(BRCA1):c.3518G>A (p.Ser1173Asn)

Genes: BRCA1 (BRCA1 DNA repair associated; minus strand), LOC126862571 (BRD4-independent group 4 enhancer GRCh37_chr17:41243136-41244335; plus strand). Cytogenetic location: 17q21.31.
Variant type: single nucleotide variant.
Coding change: c.3518G>A on transcript NM_007294.4 (MANE Select); coding-DNA position 3518, G replaced by A.
Protein change: p.Ser1173Asn; replaces serine 1173 with asparagine.
Molecular consequence: missense variant. On other transcripts: intron variant (135).
Genome position (GRCh38, 1-based): chr17:43,092,013, C>T on the plus strand (G>A on the coding strand, the complement: BRCA1 is on the minus strand). VCF-style: chr17-43092013-C-T. GRCh37 (hg19) VCF-style: chr17-41244030-C-T.
Other names: c.3182G>A, p.Ser1061Asn (NM_001407956.1, NM_001407958.1, NM_001407954.1 and 1 more transcripts); c.3137G>A, p.Ser1046Asn (NM_001407959.1, NM_001407960.1, NM_001407963.1); c.3185G>A, p.Ser1062Asn (NM_001407957.1, NM_001407946.1, NM_001407947.1 and 6 more transcripts); c.3518G>A, p.Ser1173Asn (NM_001407593.1, NM_001407594.1, NM_001407597.1 and 30 more transcripts); c.3305G>A, p.Ser1102Asn (NM_001407571.1, NM_001407853.1, NM_001407894.1 and 9 more transcripts); c.3515G>A, p.Ser1172Asn (NM_001407587.1, NM_001407590.1, NM_001407591.1 and 22 more transcripts); c.3509G>A, p.Ser1170Asn (NM_001407646.1, NM_001407647.1); c.3395G>A, p.Ser1132Asn (NM_001407648.1, NM_001407664.1, NM_001407665.1 and 19 more transcripts); and 41 more; short protein forms S1173N, S1126N, S1061N, S1106N, S1125N, S1170N, S1172N, S1046N.
Identifiers: ClinVar variation 240793 (VCV000240793.24), dbSNP rs746949187, ClinGen allele CA059409.